The following is an entry in ClinVar:

ClinVar aggregate classification (germline): Uncertain significance. Review status: criteria provided, single submitter (1 of 4 stars). 2 submissions from 2 submitters: Uncertain significance (1). 1 of the submissions does not count toward it. Last evaluated 2024-01-23.

Conditions:
LZTFL1-related disorder. Also called: LZTFL1-related condition.

Allele frequency attached by ClinVar (database versions not stated): gnomAD exomes below 0.00001; ExAC 0.00001; TOPMed 0.00001; gnomAD 0.00002; 1000 Genomes Project 30x 0.00016; 1000 Genomes Project 0.00020.
gnomAD v4.1: 10 of 1,591,690 alleles (0.00063%); highest among the groups gnomAD compares: South Asian, 0.0089%; no homozygotes.

Submissions (2):

Blueprint Genetics
Classification: Uncertain significance. Last evaluated: 2024-01-23. Review status: criteria provided, single submitter. Criteria: ACMG Guidelines, 2015. Collection method: clinical testing. Allele origin: germline.

PreventionGenetics, part of Exact Sciences
Classification: Uncertain significance for LZTFL1-related condition. Last evaluated: 2024-01-05. Review status: no assertion criteria provided. Collection method: clinical testing. Allele origin: germline. Not counted in ClinVar's aggregate classification.
Comment: The LZTFL1 c.340G>A variant is predicted to result in the amino acid substitution p.Val114Ile. To our knowledge, this variant has not been reported in the literature. This variant is reported in 0.0033% of alleles in individuals of South Asian descent in gnomAD. At this time, the clinical significance of this variant is uncertain due to the absence of conclusive functional and genetic evidence.

NM_020347.4(LZTFL1):c.340G>A (p.Val114Ile)

Gene: LZTFL1 (leucine zipper transcription factor like 1; minus strand). Cytogenetic location: 3p21.31.
Variant type: single nucleotide variant.
Coding change: c.340G>A on transcript NM_020347.4 (MANE Select); coding-DNA position 340, G replaced by A.
Protein change: p.Val114Ile; replaces valine 114 with isoleucine.
Molecular consequence: missense variant. On other transcripts: non-coding transcript variant (2).
Genome position (GRCh38, 1-based): chr3:45,834,282, C>T on the plus strand (G>A on the coding strand, the complement: LZTFL1 is on the minus strand). VCF-style: chr3-45834282-C-T. GRCh37 (hg19) VCF-style: chr3-45875774-C-T.
Other names: c.289G>A, p.Val97Ile (NM_001276378.2, NM_001386451.1, NM_001405922.1 and 4 more transcripts); c.328G>A, p.Val110Ile (NM_001276379.2, NM_001405921.1); c.340G>A, p.Val114Ile (NM_001386452.1, NM_001405924.1); c.364G>A, p.Val122Ile (NM_001405920.1, NM_001405925.1); short protein forms V110I, V114I, V122I, V97I.
Identifiers: ClinVar variation 3061524 (VCV003061524.3), dbSNP rs536588557, ClinGen allele CA2351961.